The following is an entry in ClinVar:

NM_001395656.1(ROBO2):c.3888G>A (p.Lys1296=)

Gene: ROBO2 (roundabout guidance receptor 2; plus strand). Cytogenetic location: 3p12.3.
Variant type: single nucleotide variant.
Coding change: c.3888G>A on transcript NM_001395656.1 (MANE Select); coding-DNA position 3888, G replaced by A.
Protein change: p.Lys1296=; no amino-acid change (lysine 1296 retained).
Molecular consequence: synonymous variant. On other transcripts: intron variant (1).
Genome position (GRCh38, 1-based): chr3:77,634,985, G>A. VCF-style: chr3-77634985-G-A. GRCh37 (hg19) VCF-style: chr3-77684136-G-A.
Other names: c.3924G>A, p.Lys1308= (NM_001128929.3); c.3888G>A, p.Lys1296= (NM_001290039.2); c.4071G>A, p.Lys1357= (NM_001290040.2, NM_001394212.1, NM_001395657.1); c.2097G>A, p.Lys699= (NM_001290065.2); c.3936G>A, p.Lys1312= (NM_001378190.1, NM_001378200.1, NM_001378201.1); c.4062G>A, p.Lys1354= (NM_001378191.1, NM_001378195.1, NM_001378196.1); c.3957G>A, p.Lys1319= (NM_001378192.1, NM_001378198.1, NM_001378199.1); c.3876G>A, p.Lys1292= (NM_001378193.1, NM_002942.5); and 6 more.
Identifiers: ClinVar variation 346712 (VCV000346712.9), dbSNP rs200933374, ClinGen allele CA2497777.

ClinVar aggregate classification (germline): Benign/Likely benign. Review status: criteria provided, multiple submitters, no conflicts (2 of 4 stars). 3 submissions from 3 submitters: Benign (1); Likely benign (2). Last evaluated 2025-07-20.

Conditions:
Vesicoureteral reflux 2 (VUR2). Identifiers: Orphanet 289365, MedGen C1970483, MONDO:0012573, OMIM 610878.

Allele frequency attached by ClinVar (database versions not stated): gnomAD exomes 0.00018 and 0.00024; ExAC 0.00019; ESP Exome Variant Server 0.00025; gnomAD 0.00026 and 0.00027; 1000 Genomes Project 0.00040; TOPMed 0.00050; 1000 Genomes Project 30x 0.00062.
gnomAD v4.1: 399 of 1,614,174 alleles (0.025%); highest among the groups gnomAD compares: Admixed American, 0.048%; no homozygotes.

Submissions (3):

Labcorp Genetics (formerly Invitae), Labcorp
Classification: Likely benign. Last evaluated: 2025-07-20. Review status: criteria provided, single submitter. Criteria: Invitae Variant Classification Sherloc (09022015). Collection method: clinical testing. Allele origin: germline.

Fulgent Genetics
Classification: Likely benign for Vesicoureteral reflux 2. Last evaluated: 2021-09-19. Review status: criteria provided, single submitter. Criteria: ACMG Guidelines, 2015. Collection method: clinical testing. Allele origin: unknown.

Illumina Laboratory Services, Illumina
Classification: Benign for Vesicoureteral reflux 2. Last evaluated: 2018-01-12. Review status: criteria provided, single submitter. Criteria: ICSL Variant Classification Criteria 13 December 2019. Collection method: clinical testing. Allele origin: germline.
Comment: This variant was observed in the ICSL laboratory as part of a predisposition screen in an ostensibly healthy population. It had not been previously curated by ICSL or reported in the Human Gene Mutation Database (HGMD: prior to June 1st, 2018), and was therefore a candidate for classification through an automated scoring system. Utilizing variant allele frequency, disease prevalence and penetrance estimates, and inheritance mode, an automated score was calculated to assess if this variant is too frequent to cause the disease. Based on the score and internal cut-off values, a variant classified as benign is not then subjected to further curation. The score for this variant resulted in a classification of benign for this disease.